The following is an entry in ClinVar:

NM_001379500.1(COL18A1):c.1057C>G (p.Arg353Gly)

Gene: COL18A1 (collagen type XVIII alpha 1 chain; plus strand). Cytogenetic location: 21q22.3.
Variant type: single nucleotide variant.
Coding change: c.1057C>G on transcript NM_001379500.1 (MANE Select); coding-DNA position 1057, C replaced by G.
Protein change: p.Arg353Gly; replaces arginine 353 with glycine.
Molecular consequence: missense variant.
Genome position (GRCh38, 1-based): chr21:45,477,801, C>G. VCF-style: chr21-45477801-C-G. GRCh37 (hg19) VCF-style: chr21-46897715-C-G.
Other names: c.1597C>G, p.Arg533Gly (NM_030582.4); c.2302C>G, p.Arg768Gly (NM_130444.3); short protein forms R353G, R533G, R768G.
Identifiers: ClinVar variation 1716943 (VCV001716943.5), dbSNP rs369114408, ClinGen allele CA321916441.

ClinVar aggregate classification (germline): Uncertain significance (1 of 4 stars; one submission).

gnomAD v4.1: 2 of 1,549,102 alleles (0.00013%); highest among the groups gnomAD compares: African/African-American, 0.0027%; no homozygotes.

Submission:

Labcorp Genetics (formerly Invitae), Labcorp
Classification: Uncertain significance. Last evaluated: 2022-08-19. Review status: criteria provided, single submitter. Criteria: Invitae Variant Classification Sherloc (09022015). Collection method: clinical testing. Allele origin: germline.
Comment: This sequence change replaces arginine, which is basic and polar, with glycine, which is neutral and non-polar, at codon 353 of the COL18A1 protein (p.Arg353Gly). In summary, the available evidence is currently insufficient to determine the role of this variant in disease. Therefore, it has been classified as a Variant of Uncertain Significance. Experimental studies and prediction algorithms are not available or were not evaluated, and the functional significance of this variant is currently unknown. This variant has not been reported in the literature in individuals affected with COL18A1-related conditions. This variant is not present in population databases (gnomAD no frequency).